The following is an entry in ClinVar:

ClinVar aggregate classification (germline): Uncertain significance (1 of 4 stars; one submission).

gnomAD v4.1: 4 of 1,588,110 alleles (0.00025%); highest among the groups gnomAD compares: South Asian, 0.0034%; no homozygotes.

Submission:

Labcorp Genetics (formerly Invitae), Labcorp
Classification: Uncertain significance. Last evaluated: 2024-10-13. Review status: criteria provided, single submitter. Criteria: Invitae Variant Classification Sherloc (09022015). Collection method: clinical testing. Allele origin: germline.
Comment: This sequence change replaces proline, which is neutral and non-polar, with threonine, which is neutral and polar, at codon 9 of the ERCC6L2 protein (p.Pro9Thr). The frequency data for this variant in the population databases is considered unreliable, as metrics indicate poor data quality at this position in the gnomAD database. This variant has not been reported in the literature in individuals affected with ERCC6L2-related conditions. Experimental studies and prediction algorithms are not available or were not evaluated, and the functional significance of this variant is currently unknown. In summary, the available evidence is currently insufficient to determine the role of this variant in disease. Therefore, it has been classified as a Variant of Uncertain Significance.

NM_020207.7(ERCC6L2):c.-9C>A

Gene: ERCC6L2 (ERCC excision repair 6 like 2; plus strand). Cytogenetic location: 9q22.32.
Variant type: single nucleotide variant.
Coding change: c.-9C>A on transcript NM_020207.7 (MANE Select); 9 bases upstream of the start codon, C replaced by A.
Molecular consequence: 5 prime UTR variant. On other transcripts: non-coding transcript variant (1).
Genome position (GRCh38, 1-based): chr9:95,876,030, C>A. VCF-style: chr9-95876030-C-A. GRCh37 (hg19) VCF-style: chr9-98638312-C-A.
Other names: c.-9C>A (NM_001010895.4, NM_001375291.1, NM_001375292.1 and 2 more transcripts).
Identifiers: ClinVar variation 3671239 (VCV003671239.2).